The following is an entry in ClinVar:

ClinVar aggregate classification (germline): Likely pathogenic (1 of 4 stars; one submission).

Conditions:
Cardiovascular phenotype. Identifiers: MedGen CN230736.

Submission:

Ambry Genetics
Classification: Likely pathogenic for Cardiovascular phenotype. Last evaluated: 2019-11-22. Review status: criteria provided, single submitter. Criteria: Ambry Variant Classification Scheme 2023. Collection method: clinical testing. Allele origin: germline.
Comment: The p.Y25690* variant (also known as c.77070C>G), located in coding exon 185 of the TTN gene, results from a C to G substitution at nucleotide position 77070. This changes the amino acid from a tyrosine to a stop codon within coding exon 185. This exon is located in the M-band region of the N2-B isoform of the titin protein and is constitutively expressed in TTN transcripts (percent spliced in or PSI 100%). This alteration is expected to result in loss of function by premature protein truncation or nonsense-mediated mRNA decay. While truncating variants in TTN are present in 1-3% of the general population, truncating variants in the M-band have been reported in association with autosomal recessive titinopathies, primarily presenting with skeletal myopathy phenotypes (Ceyhan-Birsoy O et al. Neurology. 2013 Oct 1;81(14):1205-14; De Cid R et al. Neurology. 2015;85(24):2126-35). In addition, regardless of their position, TTN truncating variants encoded in constitutive exons (PSI >90%) have been found to be significantly associated with dilated cardiomyopathy (DCM), though truncating variants in the A-band are the most common cause of DCM (Herman DS et al. N. Engl. J. Med., 2012 Feb;366:619-28; Roberts AM et al. Sci Transl Med, 2015 Jan;7:270ra6; Schafer S et al. Nat. Genet., 2017 01;49:46-53). Based on the majority of available evidence to date, this variant is likely to be pathogenic in association with autosomal recessive titinopathy; however, the clinical significance of this alteration with respect to cardiomyopathy remains unclear.

NM_001267550.2(TTN):c.104265C>G (p.Tyr34755Ter)

Genes: TTN (titin; minus strand), TTN-AS1 (TTN antisense RNA 1; plus strand). Cytogenetic location: 2q31.2.
Variant type: single nucleotide variant.
Coding change: c.104265C>G on transcript NM_001267550.2 (MANE Select); coding-DNA position 104265, C replaced by G.
Protein change: p.Tyr34755Ter; replaces tyrosine 34755 with a stop codon.
Molecular consequence: nonsense.
Genome position (GRCh38, 1-based): chr2:178,532,350, G>C on the plus strand (C>G on the coding strand, the complement: TTN is on the minus strand). VCF-style: chr2-178532350-G-C. GRCh37 (hg19) VCF-style: chr2-179397077-G-C.
Other names: c.99342C>G, p.Tyr33114Ter (NM_001256850.1); c.77070C>G, p.Tyr25690Ter (NM_003319.4); c.96561C>G, p.Tyr32187Ter (NM_133378.4); c.77445C>G, p.Tyr25815Ter (NM_133432.3); c.77646C>G, p.Tyr25882Ter (NM_133437.4); short protein forms Y25815*, Y34755*, Y25882*, Y32187*, Y33114*, Y25690*.
Identifiers: ClinVar variation 1760238 (VCV001760238.2), dbSNP rs756003817, ClinGen allele CA349412122.